The following is an entry in ClinVar:

ClinVar aggregate classification (germline): Uncertain significance (1 of 4 stars; one submission).

Allele frequency attached by ClinVar (database versions not stated): gnomAD 0.00001; gnomAD exomes 0.00001; TOPMed 0.00002.

Submission:

Labcorp Genetics (formerly Invitae), Labcorp
Classification: Uncertain significance. Last evaluated: 2021-02-03. Review status: criteria provided, single submitter. Criteria: Invitae Variant Classification Sherloc (09022015). Collection method: clinical testing. Allele origin: germline.
Comment: In summary, the available evidence is currently insufficient to determine the role of this variant in disease. Therefore, it has been classified as a Variant of Uncertain Significance. This variant is not present in population databases (ExAC no frequency). This sequence change replaces valine with methionine at codon 310 of the CSF2RB protein (p.Val310Met). The valine residue is moderately conserved and there is a small physicochemical difference between valine and methionine. Algorithms developed to predict the effect of missense changes on protein structure and function are either unavailable or do not agree on the potential impact of this missense change (SIFT: "Deleterious"; PolyPhen-2: "Probably Damaging"; Align-GVGD: "Class C0"). This variant has not been reported in the literature in individuals with CSF2RB-related conditions.

NM_000395.3(CSF2RB):c.928G>A (p.Val310Met)

Gene: CSF2RB (colony stimulating factor 2 receptor subunit beta; plus strand). Cytogenetic location: 22q12.3.
Variant type: single nucleotide variant.
Coding change: c.928G>A on transcript NM_000395.3 (MANE Select); coding-DNA position 928, G replaced by A.
Protein change: p.Val310Met; replaces valine 310 with methionine.
Molecular consequence: missense variant.
Genome position (GRCh38, 1-based): chr22:36,930,746, G>A. VCF-style: chr22-36930746-G-A. GRCh37 (hg19) VCF-style: chr22-37326788-G-A.
Other names: short protein forms V310M.
Identifiers: ClinVar variation 1408491 (VCV001408491.8), dbSNP rs1021865587, ClinGen allele CA323994366.